The following is an entry in ClinVar:

ClinVar aggregate classification (germline): Pathogenic. Review status: criteria provided, multiple submitters, no conflicts (2 of 4 stars). 2 submissions from 2 submitters: Pathogenic (2). Last evaluated 2025-04-30.

Conditions:
Inborn genetic diseases. Identifiers: MedGen C0950123, MeSH D030342.
Early-infantile DEE. Also called: Early infantile epileptic encephalopathy; Ohtahara syndrome; Early infantile epileptic encephalopathy with suppression bursts. Identifiers: Orphanet 1934, MedGen C0393706, MONDO:0800491.

Submissions (2):

Ambry Genetics
Classification: Pathogenic for Inborn genetic diseases. Last evaluated: 2025-04-30. Review status: criteria provided, single submitter. Criteria: Ambry Variant Classification Scheme 2023. Collection method: clinical testing. Allele origin: germline.
Comment: The c.644delG (p.G215Efs*58) alteration, located in exon 4 (coding exon 4) of the KCNQ2 gene, consists of a deletion of one nucleotide at position 644, causing a translational frameshift with a predicted alternate stop codon after 58 amino acids. This alteration is expected to result in loss of function by premature protein truncation or nonsense-mediated mRNA decay. This variant was not reported in population-based cohorts in the Genome Aggregation Database (gnomAD). Based on the available evidence, this alteration is classified as pathogenic.

Labcorp Genetics (formerly Invitae), Labcorp
Classification: Pathogenic for Early-infantile DEE. Last evaluated: 2023-10-12. Review status: criteria provided, single submitter. Criteria: Invitae Variant Classification Sherloc (09022015). Collection method: clinical testing. Allele origin: germline.
Comment: This sequence change creates a premature translational stop signal (p.Gly215Glufs*58) in the KCNQ2 gene. It is expected to result in an absent or disrupted protein product. Loss-of-function variants in KCNQ2 are known to be pathogenic (PMID: 14534157, 23692823, 27779742). This variant is not present in population databases (gnomAD no frequency). This variant has not been reported in the literature in individuals affected with KCNQ2-related conditions. ClinVar contains an entry for this variant (Variation ID: 1413748). For these reasons, this variant has been classified as Pathogenic.

Literature cited by the submitters: PubMed 14534157 (cited by Labcorp Genetics (formerly Invitae), Labcorp); PubMed 23692823 (cited by Labcorp Genetics (formerly Invitae), Labcorp); PubMed 27779742 (cited by Labcorp Genetics (formerly Invitae), Labcorp).

NM_172107.4(KCNQ2):c.644del (p.Gly215fs)

Gene: KCNQ2 (potassium voltage-gated channel subfamily Q member 2; minus strand). Cytogenetic location: 20q13.33.
Variant type: Deletion.
Coding change: c.644del on transcript NM_172107.4 (MANE Select); coding-DNA position 644, one base deleted (G; older notation c.644delG).
Protein change: p.Gly215fs; shifts the reading frame from glycine 215.
Molecular consequence: frameshift variant.
Genome position (GRCh38, 1-based): chr20:63,444,705, C deleted on the plus strand (G on the coding strand, the reverse complement: KCNQ2 is on the minus strand); the first of 4 consecutive C bases (chr20:63,444,705-63,444,708); deleting any one gives the same sequence. VCF-style (leftmost placement, unchanged base first): chr20-63444704-TC-T. GRCh37 (hg19) VCF-style: chr20-62076057-TC-T.
Other names: c.644del, p.Gly215fs (NM_001382235.1, NM_004518.6, NM_172106.3 and 2 more transcripts); c.644delG (NM_172107.2); short protein forms G215fs.
Identifiers: ClinVar variation 1413748 (VCV001413748.8), dbSNP rs2145774901, ClinGen allele CA2573157296.